The following continues an entry in ClinVar:

NM_000059.4(BRCA2):c.2350A>G (p.Met784Val)

Gene: BRCA2. ClinVar aggregate classification (germline): Benign. Benign (1).

Submissions 20 to 29 of 29:

True Health Diagnostics
Classification: Likely benign for Hereditary cancer-predisposing syndrome. Last evaluated: 2018-02-15. Review status: no assertion criteria provided. Collection method: clinical testing. Allele origin: germline. Not counted in ClinVar's aggregate classification.

Counsyl
Classification: Benign for Breast-ovarian cancer, familial 2. Last evaluated: 2014-10-16. Review status: no assertion criteria provided. Collection method: literature only. Allele origin: unknown. Inheritance: Autosomal dominant inheritance. Not counted in ClinVar's aggregate classification.

ITMI
No classification provided. Condition: AllHighlyPenetrant. Last evaluated: 2013-09-19. Review status: no classification provided. Collection method: reference population. Allele origin: germline. Not counted in ClinVar's aggregate classification.
Comment: Please see associated publication for description of ethnicities

Biesecker Lab/Clinical Genomics Section, National Institutes of Health
Classification: Benign. Last evaluated: 2012-07-13. Review status: no assertion criteria provided. Collection method: research. Allele origin: germline. Affected: no. Observed: 1 variant allele. Study: ClinSeq. Not counted in ClinVar's aggregate classification.
ClinVar note: Converted during submission from no known pathogenicity to Benign.

Sharing Clinical Reports Project (SCRP)
Classification: Benign for Breast-ovarian cancer, familial 2. Last evaluated: 2011-03-10. Review status: no assertion criteria provided. Collection method: clinical testing. Allele origin: germline. Not counted in ClinVar's aggregate classification.

Breast Cancer Information Core (BIC) (BRCA2)
Classification: Uncertain significance for Breast-ovarian cancer, familial 2. Last evaluated: 2002-05-29. Review status: no assertion criteria provided. Collection method: clinical testing. Allele origin: germline. Affected: yes. Observed: 47 variant alleles. Not counted in ClinVar's aggregate classification.

Center for Precision Medicine, Meizhou People's Hospital
Classification: Likely benign for Familial cancer of breast. Review status: no assertion criteria provided. Collection method: literature only. Allele origin: germline. Affected: yes. Not counted in ClinVar's aggregate classification.

Clinical Genetics DNA and cytogenetics Diagnostics Lab, Erasmus MC, Erasmus Medical Center
Classification: Likely benign. Review status: no assertion criteria provided. Collection method: clinical testing. Allele origin: germline. Affected: yes. Study: VKGL Data-share Consensus. Not counted in ClinVar's aggregate classification.

Department of Pathology and Laboratory Medicine, Sinai Health System
Classification: Benign for Malignant tumor of breast. Review status: no assertion criteria provided. Collection method: clinical testing. Allele origin: unknown. Affected: yes. Observed: 2 variant alleles. Study: The Canadian Open Genetics Repository (COGR). Not counted in ClinVar's aggregate classification.
Comment: The p.Met784Val variant has been reported in the literature in 160/11460 proband chromosomes of individuals with HBOC and sporadic breast cancer. It was also found in 35/5936 control chromosomes tested, increasing the likelihood this variant does not have clinical significance (Spearman 2008, Wagner 1999, Capanu 2011, Freedman_2004, Ishitobi_2003, Johnston_2012, Krupa_2009, Seo_2004, Han_2006). The variant has also been reported in the UMD (x1), LOVD (x2), BIC (x47), and BOCs databases. It is listed in the dbSNP database as coming from a "clinical source" (ID#: rs11571653) with a MAF score of 0.007 (1000 Genomes). Of particular interest are the findings that this variant is considered a polymorphism in the Japanese population, and that of the 168 chromosomes tested in the HapMap Japanese cohort, the variant was found in almost 20 chromosomes (allele frequency of 0.107). The p.Met784 residue is not conserved in mammals, and the variant amino acid Valine (Val) is present in the dog, rat and opossum at this position, increasing the likelihood that an alteration to this residue may not have functional significance. The identification of this variant in the presence of a second pathogenic variant increases the likelihood that this variant does not have clinical significance. In summary, based on the above information, this variant is classified as Benign.

Laboratory of Diagnostic Genome Analysis, Leiden University Medical Center (LUMC)
Classification: Likely benign. Review status: no assertion criteria provided. Collection method: clinical testing. Allele origin: germline. Affected: yes. Study: VKGL Data-share Consensus. Not counted in ClinVar's aggregate classification.

Literature cited by the submitters: PubMed 25802882 (cited by Illumina Laboratory Services, Illumina and Center for Precision Medicine, Meizhou People's Hospital); PubMed 18824701 (cited by Illumina Laboratory Services, Illumina and Counsyl); PubMed 12684407 (cited by Illumina Laboratory Services, Illumina and Counsyl); PubMed 24728327 (cited by 4 submitters); PubMed 16261408 (cited by Illumina Laboratory Services, Illumina); PubMed 15365993 (cited by Illumina Laboratory Services, Illumina and Counsyl); PubMed 23469205 (cited by Clinical and Functional Genomics Group, A.C.Camargo Cancer Center); PubMed 15317758 (cited by Counsyl); PubMed 9971877 (cited by Counsyl); PubMed 21520273 (cited by Counsyl).